The following is an entry in ClinVar:

NM_000488.4(SERPINC1):c.870C>T (p.Phe290=)

Gene: SERPINC1 (serpin family C member 1; minus strand). Cytogenetic location: 1q25.1.
Variant type: single nucleotide variant.
Coding change: c.870C>T on transcript NM_000488.4 (MANE Select); coding-DNA position 870, C replaced by T.
Protein change: p.Phe290=; no amino-acid change (phenylalanine 290 retained).
Molecular consequence: synonymous variant.
Genome position (GRCh38, 1-based): chr1:173,909,835, G>A on the plus strand (C>T on the coding strand, the complement: SERPINC1 is on the minus strand). VCF-style: chr1-173909835-G-A. GRCh37 (hg19) VCF-style: chr1-173878973-G-A.
Other names: NM_000488.4(SERPINC1):c.870C>T; p.Phe290=; c.726C>T, p.Phe242= (NM_001365052.2); c.993C>T, p.Phe331= (NM_001386302.1); c.951C>T, p.Phe317= (NM_001386303.1); c.849C>T, p.Phe283= (NM_001386304.1); c.813C>T, p.Phe271= (NM_001386305.1); c.654C>T, p.Phe218= (NM_001386306.1).
Identifiers: ClinVar variation 293839 (VCV000293839.17), dbSNP rs370190321, ClinGen allele CA1251325.

ClinVar aggregate classification (germline): Likely benign. Review status: reviewed by expert panel (3 of 4 stars). 4 submissions from 4 submitters: Likely benign (1). 3 of the submissions do not count toward it. Last evaluated 2024-08-16.

Conditions:
Hereditary antithrombin deficiency (AT3D). Also called: Antithrombin III deficiency; Thrombophilia due to antithrombin III deficiency; Reduced antithrombin III activity; Antithrombin deficiency. Identifiers: Orphanet 82, MedGen C0272375, MONDO:0013144, OMIM 613118, HP:0001976.

Allele frequency attached by ClinVar (database versions not stated): ExAC 0.00012; gnomAD exomes 0.00022; ESP Exome Variant Server 0.00023; gnomAD 0.00023 and 0.00026; TOPMed 0.00041.
gnomAD v4.1: 724 of 1,612,902 alleles (0.045%); highest among the groups gnomAD compares: Non-Finnish European, 0.057%; no homozygotes.

Submissions (4):

Clingen Thrombosis Variant Curation Expert Panel, ClinGen
Classification: Likely benign for Hereditary antithrombin deficiency. Last evaluated: 2024-08-16. Review status: reviewed by expert panel. Criteria: ClinGen ACMG Specifications SERPINC1 V1.0.0. Collection method: curation. Allele origin: germline. Inheritance: Autosomal dominant inheritance.
Comment: The c.870C>T (NM_000488.4) variant in SERPINC1 does not code for a different amino acid (p.Phe290=). The highest population minor allele frequency in gnomAD v2.1.1 is 0.0003730 (48/128676 alleles) in the European population, which is higher than the ClinGen SERPINC1 threshold ([>0.0002]) for BS1, and therefore meets this criterion (BS1). SpliceAI predicts no splicing impact for this variant meeting BP4. In summary, this variant meets criteria to be classified as likely benign. ACMG/AMP criteria applied, as specified by the Thrombosis Variant Curation Expert Panel for SERPINC1: BP4, BP7.

Labcorp Genetics (formerly Invitae), Labcorp
Classification: Likely benign for Hereditary antithrombin deficiency. Last evaluated: 2025-12-29. Review status: criteria provided, single submitter. Criteria: Invitae Variant Classification Sherloc (09022015). Collection method: clinical testing. Allele origin: germline. Not counted in ClinVar's aggregate classification.

Blueprint Genetics
Classification: Likely benign. Last evaluated: 2024-03-04. Review status: criteria provided, single submitter. Criteria: ACMG Guidelines, 2015. Collection method: clinical testing. Allele origin: germline. Not counted in ClinVar's aggregate classification.

Illumina Laboratory Services, Illumina
Classification: Uncertain significance for Hereditary antithrombin deficiency. Last evaluated: 2018-01-13. Review status: criteria provided, single submitter. Criteria: ICSL Variant Classification Criteria 13 December 2019. Collection method: clinical testing. Allele origin: germline. Not counted in ClinVar's aggregate classification.